The following is an entry in ClinVar:

NM_001291867.2(NHS):c.1674G>C (p.Gln558His)

Gene: NHS (NHS actin remodeling regulator; plus strand). Cytogenetic location: Xp22.13.
Variant type: single nucleotide variant.
Coding change: c.1674G>C on transcript NM_001291867.2 (MANE Select); coding-DNA position 1674, G replaced by C.
Protein change: p.Gln558His; replaces glutamine 558 with histidine.
Molecular consequence: missense variant.
Genome position (GRCh38, 1-based): chrX:17,725,780, G>C. VCF-style: chrX-17725780-G-C. GRCh37 (hg19) VCF-style: chrX-17743900-G-C.
Other names: c.1143G>C, p.Gln381His (NM_001136024.4); c.1080G>C, p.Gln360His (NM_001291868.2); c.1611G>C, p.Gln537His (NM_198270.4); short protein forms Q558H, Q360H, Q537H, Q381H.
Identifiers: ClinVar variation 2697069 (VCV002697069.3), dbSNP rs1342556504, ClinGen allele CA412352714.

ClinVar aggregate classification (germline): Uncertain significance (1 of 4 stars; one submission).

Conditions:
Nance-Horan syndrome (NHS). Identifiers: Orphanet 627, MedGen C0796085, MONDO:0010545, OMIM 302350.

gnomAD v4.1: 2 of 1,211,557 alleles (0.00017%); highest among the groups gnomAD compares: South Asian, 0.0035%; no homozygotes.

Submission:

Labcorp Genetics (formerly Invitae), Labcorp
Classification: Uncertain significance for Nance-Horan syndrome. Last evaluated: 2023-11-18. Review status: criteria provided, single submitter. Criteria: Invitae Variant Classification Sherloc (09022015). Collection method: clinical testing. Allele origin: germline.
Comment: This sequence change replaces glutamine, which is neutral and polar, with histidine, which is basic and polar, at codon 537 of the NHS protein (p.Gln537His). This variant is not present in population databases (gnomAD no frequency). This variant has not been reported in the literature in individuals affected with NHS-related conditions. Advanced modeling of protein sequence and biophysical properties (such as structural, functional, and spatial information, amino acid conservation, physicochemical variation, residue mobility, and thermodynamic stability) performed at Invitae indicates that this missense variant is not expected to disrupt NHS protein function with a negative predictive value of 80%. In summary, the available evidence is currently insufficient to determine the role of this variant in disease. Therefore, it has been classified as a Variant of Uncertain Significance.